The following is an entry in ClinVar:

ClinVar aggregate classification (germline): Uncertain significance (1 of 4 stars; one submission).

Conditions:
Atrioventricular septal defect 4 (AVSD4). Identifiers: MedGen C3280781, MONDO:0013747, OMIM 614430.

gnomAD v4.1: 1 of 1,613,906 alleles (0.000062%); no homozygotes.

Submission:

Labcorp Genetics (formerly Invitae), Labcorp
Classification: Uncertain significance for Atrioventricular septal defect 4. Last evaluated: 2023-10-22. Review status: criteria provided, single submitter. Criteria: Invitae Variant Classification Sherloc (09022015). Collection method: clinical testing. Allele origin: germline.
Comment: This sequence change replaces glutamine, which is neutral and polar, with glutamic acid, which is acidic and polar, at codon 382 of the GATA4 protein (p.Gln382Glu). This variant is not present in population databases (gnomAD no frequency). This variant has not been reported in the literature in individuals affected with GATA4-related conditions. An algorithm developed to predict the effect of missense changes on protein structure and function (PolyPhen-2) suggests that this variant is likely to be tolerated. In summary, the available evidence is currently insufficient to determine the role of this variant in disease. Therefore, it has been classified as a Variant of Uncertain Significance.

NM_001308093.3(GATA4):c.1147C>G (p.Gln383Glu)

Gene: GATA4 (GATA binding protein 4). Cytogenetic location: 8p23.1.
Variant type: single nucleotide variant.
Coding change: c.1147C>G on transcript NM_001308093.3 (MANE Select); coding-DNA position 1147, C replaced by G.
Protein change: p.Gln383Glu; replaces glutamine 383 with glutamic acid.
Molecular consequence: missense variant.
Genome position (GRCh38, 1-based): chr8:11,757,081, C>G. VCF-style: chr8-11757081-C-G. GRCh37 (hg19) VCF-style: chr8-11614590-C-G.
Other names: c.1144C>G, p.Gln382Glu (NM_002052.5); c.526C>G, p.Gln176Glu (NM_001308094.2, NM_001374273.1); c.400C>G, p.Gln134Glu (NM_001374274.1); short protein forms Q176E, Q382E, Q134E, Q383E.
Identifiers: ClinVar variation 2768218 (VCV002768218.3), dbSNP rs1261254842, ClinGen allele CA370315508.